The following is an entry in ClinVar:

NM_016239.4(MYO15A):c.8457C>G (p.Tyr2819Ter)

Gene: MYO15A (myosin XVA; plus strand). Cytogenetic location: 17p11.2.
Variant type: single nucleotide variant.
Coding change: c.8457C>G on transcript NM_016239.4 (MANE Select); coding-DNA position 8457, C replaced by G.
Protein change: p.Tyr2819Ter; replaces tyrosine 2819 with a stop codon.
Molecular consequence: nonsense.
Genome position (GRCh38, 1-based): chr17:18,155,430, C>G. VCF-style: chr17-18155430-C-G. GRCh37 (hg19) VCF-style: chr17-18058744-C-G.
Other names: c.8457C>G (NM_016239.3); short protein forms Y2819*.
Identifiers: ClinVar variation 2736476 (VCV002736476.12), dbSNP rs377572905, ClinGen allele CA8425169.

ClinVar aggregate classification (germline): Pathogenic/Likely pathogenic. Review status: criteria provided, multiple submitters, no conflicts (2 of 4 stars). 4 submissions from 4 submitters: Pathogenic (3); Likely pathogenic (1). Last evaluated 2025-11-04.

Conditions:
MYO15A-related disorder. Also called: MYO15A-related condition.
Autosomal recessive nonsyndromic hearing loss 3. Also called: NEUROSENSORY NONSYNDROMIC RECESSIVE DEAFNESS 3. Identifiers: Orphanet 90636, MedGen C1838263, MONDO:0010860, OMIM 600316.

Allele frequency attached by ClinVar (database versions not stated): TOPMed 0.00003; ESP Exome Variant Server 0.00016; gnomAD 0.00003; ExAC 0.00001.

Submissions (4):

PreventionGenetics, part of Exact Sciences
Classification: Pathogenic for MYO15A-related condition. Last evaluated: 2025-11-04. Review status: criteria provided, single submitter. Criteria: ACMG Guidelines, 2015. Collection method: clinical testing. Allele origin: germline.
Comment: The MYO15A c.8457C>G variant is predicted to result in premature protein termination (p.Tyr2819*). This variant was reported in two individuals with hearing loss (Table S3, Sloan-Heggen et al. 2016. PubMed ID: 26969326; Table S2, Perry et al. 2022. PubMed ID: 36515421). This variant is reported in 0.0018% of alleles in individuals of European (Non-Finnish) descent in gnomAD. Nonsense variants in MYO15A are expected to be pathogenic. This variant is interpreted as pathogenic.

CeGaT Center for Human Genetics Tuebingen
Classification: Pathogenic. Last evaluated: 2025-09-01. Review status: criteria provided, single submitter. Criteria: CeGaT Center For Human Genetics Tuebingen Variant Classification Criteria Version 2. Collection method: clinical testing. Allele origin: germline. Affected: yes. Observed: 1 variant allele.
Comment: MYO15A: PVS1, PM2, PM3:Supporting

Labcorp Genetics (formerly Invitae), Labcorp
Classification: Pathogenic. Last evaluated: 2025-08-18. Review status: criteria provided, single submitter. Criteria: Invitae Variant Classification Sherloc (09022015). Collection method: clinical testing. Allele origin: germline.
Comment: This sequence change creates a premature translational stop signal (p.Tyr2819*) in the MYO15A gene. It is expected to result in an absent or disrupted protein product. Loss-of-function variants in MYO15A are known to be pathogenic (PMID: 17546645). This variant is present in population databases (rs377572905, gnomAD 0.002%). This premature translational stop signal has been observed in individual(s) with MYO15A - related conditions (PMID: 26969326). ClinVar contains an entry for this variant (Variation ID: 2736476). Algorithms developed to predict the effect of sequence changes on RNA splicing suggest that this variant may disrupt the consensus splice site. For these reasons, this variant has been classified as Pathogenic.

Fulgent Genetics
Classification: Likely pathogenic for Autosomal recessive nonsyndromic hearing loss 3. Last evaluated: 2024-06-01. Review status: criteria provided, single submitter. Criteria: ACMG Guidelines, 2015. Collection method: clinical testing. Allele origin: germline.

Literature cited by the submitters: PubMed 17546645 (cited by Labcorp Genetics (formerly Invitae), Labcorp); PubMed 26969326 (cited by Labcorp Genetics (formerly Invitae), Labcorp).